The following is an entry in ClinVar:

ClinVar aggregate classification (germline): Likely pathogenic. Review status: criteria provided, multiple submitters, no conflicts (2 of 4 stars). 2 submissions from 2 submitters: Likely pathogenic (2). Last evaluated 2024-08-08.

Conditions:
Primary ciliary dyskinesia. Also called: Ciliary dyskinesia. Identifiers: Orphanet 244, MedGen C0008780, MONDO:0016575, HP:0012265.
Spermatogenic failure 46. Identifiers: MedGen C5436799, MONDO:0033673, OMIM 619095.

Allele frequency attached by ClinVar (database versions not stated): ExAC 0.00001; gnomAD exomes 0.00001 and 0.00003; gnomAD 0.00002 and 0.00003; TOPMed 0.00002.
gnomAD v4.1: 41 of 1,603,752 alleles (0.0026%); highest among the groups gnomAD compares: Non-Finnish European, 0.0035%; no homozygotes.

Submissions (2):

Labcorp Genetics (formerly Invitae), Labcorp
Classification: Likely pathogenic for Primary ciliary dyskinesia. Last evaluated: 2024-08-08. Review status: criteria provided, single submitter. Criteria: Invitae Variant Classification Sherloc (09022015). Collection method: clinical testing. Allele origin: germline.
Comment: This sequence change affects a donor splice site in intron 19 of the DNAH8 gene. It is expected to disrupt RNA splicing. Variants that disrupt the donor or acceptor splice site typically lead to a loss of protein function (PMID: 16199547), and loss-of-function variants in DNAH8 are known to be pathogenic (PMID: 24307375, 32619401, 32681648). This variant is present in population databases (rs753831132, gnomAD 0.003%). This variant has not been reported in the literature in individuals affected with DNAH8-related conditions. ClinVar contains an entry for this variant (Variation ID: 845380). Algorithms developed to predict the effect of sequence changes on RNA splicing suggest that this variant may disrupt the consensus splice site. In summary, the currently available evidence indicates that the variant is pathogenic, but additional data are needed to prove that conclusively. Therefore, this variant has been classified as Likely Pathogenic.

Department of Pathology and Laboratory Medicine, Sinai Health System
Classification: Likely pathogenic for Spermatogenic failure 46. Last evaluated: 2023-02-15. Review status: criteria provided, single submitter. Criteria: ACMG Guidelines, 2015. Collection method: research. Allele origin: germline.

Literature cited by the submitters: PubMed 16199547 (cited by Labcorp Genetics (formerly Invitae), Labcorp); PubMed 24307375 (cited by Labcorp Genetics (formerly Invitae), Labcorp); PubMed 32619401 (cited by Labcorp Genetics (formerly Invitae), Labcorp); PubMed 32681648 (cited by Labcorp Genetics (formerly Invitae), Labcorp).

NM_001206927.2(DNAH8):c.2664+2T>C

Gene: DNAH8 (dynein axonemal heavy chain 8; plus strand). Cytogenetic location: 6p21.2.
Variant type: single nucleotide variant.
Coding change: c.2664+2T>C on transcript NM_001206927.2 (MANE Select); the canonical splice donor site of the intron after coding-DNA position 2664, T replaced by C.
Molecular consequence: splice donor variant.
Genome position (GRCh38, 1-based): chr6:38,789,885, T>C. VCF-style: chr6-38789885-T-C. GRCh37 (hg19) VCF-style: chr6-38757661-T-C.
Other names: c.2013+2T>C (NM_001371.4).
Identifiers: ClinVar variation 845380 (VCV000845380.9), dbSNP rs753831132, ClinGen allele CA3788573.